The following is an entry in ClinVar:

ClinVar aggregate classification (germline): Conflicting classifications of pathogenicity. Review status: criteria provided, conflicting classifications (1 of 4 stars). 15 submissions from 15 submitters: Uncertain significance (11); Likely benign (2). 2 of the submissions do not count toward it. Last evaluated 2025-12-19.

Conditions:
PNKP-related disorder. Also called: PNKP-related disorders; PNKP-related condition.
Inborn genetic diseases. Identifiers: MedGen C0950123, MeSH D030342.
Developmental and epileptic encephalopathy, 12 (DEE12). Identifiers: MedGen C3150988, MONDO:0013389, OMIM 613722.
Microcephaly, seizures, and developmental delay. Identifiers: Orphanet 1934, MedGen C3150667, MONDO:0013254, OMIM 613402.

Allele frequency attached by ClinVar (database versions not stated): 1000 Genomes Project 30x 0.00016; 1000 Genomes Project 0.00020; gnomAD 0.00044 and 0.00047; TOPMed 0.00059; ESP Exome Variant Server 0.00062; gnomAD exomes 0.00065 and 0.00085; ExAC 0.00077.
gnomAD v4.1: 1,303 of 1,614,032 alleles (0.081%); highest among the groups gnomAD compares: Non-Finnish European, 0.1%; no homozygotes.

Submissions (15):

GeneDx
Classification: Uncertain significance. Last evaluated: 2025-12-19. Review status: criteria provided, single submitter. Criteria: GeneDx Variant Classification Process June 2021. Collection method: clinical testing. Allele origin: germline. Affected: yes.
Comment: In silico analysis suggests that this missense variant does not alter protein structure/function; Has not been previously published as pathogenic or benign to our knowledge; This variant is associated with the following publications: (PMID: 22508754)

Blueprint Genetics
Classification: Uncertain significance. Last evaluated: 2024-09-13. Review status: criteria provided, single submitter. Criteria: ACMG Guidelines, 2015. Collection method: clinical testing. Allele origin: germline.

Mayo Clinic Laboratories, Mayo Clinic
Classification: Uncertain significance. Last evaluated: 2024-07-29. Review status: criteria provided, single submitter. Criteria: ACMG Guidelines, 2015. Collection method: clinical testing. Allele origin: germline. Observed: 5 variant alleles.
Comment: BP4_moderate

Women's Health and Genetics/Laboratory Corporation of America, LabCorp
Classification: Uncertain significance. Last evaluated: 2024-01-09. Review status: criteria provided, single submitter. Criteria: LabCorp Variant Classification Summary - May 2015. Collection method: clinical testing. Allele origin: germline.
Comment: Variant summary: PNKP c.188C>T (p.Ala63Val) results in a non-conservative amino acid change located in the PNK, FHA domain of the encoded protein sequence. Three of five in-silico tools predict a benign effect of the variant on protein function. The variant allele was found at a frequency of 0.00065 in 251490 control chromosomes. To our knowledge, no occurrence of c.188C>T in individuals affected with PNKP-Related Disorders and no experimental evidence demonstrating its impact on protein function have been reported. ClinVar contains an entry for this variant (Variation ID: 159792). Based on the evidence outlined above, the variant was classified as uncertain significance.

Revvity Omics, Revvity
Classification: Uncertain significance. Last evaluated: 2023-03-08. Review status: criteria provided, single submitter. Criteria: ACMG Guidelines, 2015. Collection method: clinical testing. Allele origin: germline.

Labcorp Genetics (formerly Invitae), Labcorp
Classification: Uncertain significance for Developmental and epileptic encephalopathy, 12. Last evaluated: 2022-10-24. Review status: criteria provided, single submitter. Criteria: Invitae Variant Classification Sherloc (09022015). Collection method: clinical testing. Allele origin: germline.
Comment: This sequence change replaces alanine, which is neutral and non-polar, with valine, which is neutral and non-polar, at codon 63 of the PNKP protein (p.Ala63Val). This variant is present in population databases (rs3739173, gnomAD 0.1%), and has an allele count higher than expected for a pathogenic variant. This variant has not been reported in the literature in individuals affected with PNKP-related conditions. ClinVar contains an entry for this variant (Variation ID: 159792). Algorithms developed to predict the effect of missense changes on protein structure and function (SIFT, PolyPhen-2, Align-GVGD) all suggest that this variant is likely to be tolerated. Algorithms developed to predict the effect of sequence changes on RNA splicing suggest that this variant may disrupt the consensus splice site. In summary, the available evidence is currently insufficient to determine the role of this variant in disease. Therefore, it has been classified as a Variant of Uncertain Significance.

CeGaT Center for Human Genetics Tuebingen
Classification: Uncertain significance. Last evaluated: 2022-04-01. Review status: criteria provided, single submitter. Criteria: CeGaT Center For Human Genetics Tuebingen Variant Classification Criteria Version 2. Collection method: clinical testing. Allele origin: germline. Affected: yes. Observed: 1 variant allele.

Ambry Genetics
Classification: Uncertain significance for Inborn genetic diseases. Last evaluated: 2018-09-16. Review status: criteria provided, single submitter. Criteria: Ambry Variant Classification Scheme 2023. Collection method: clinical testing. Allele origin: germline.
Comment: The p.A63V variant (also known as c.188C>T), located in coding exon 2 of the PNKP gene, results from a C to T substitution at nucleotide position 188. The alanine at codon 63 is replaced by valine, an amino acid with similar properties. This amino acid position is well conserved in available vertebrate species. In addition, this alteration is predicted to be tolerated by in silico analysis. Since supporting evidence is limited at this time, the clinical significance of this variant remains unclear.

Illumina Laboratory Services, Illumina
Classification: Uncertain significance for Microcephaly, seizures, and developmental delay. Last evaluated: 2018-01-13. Review status: criteria provided, single submitter. Criteria: ICSL Variant Classification Criteria 13 December 2019. Collection method: clinical testing. Allele origin: germline.

Eurofins Ntd Llc (ga)
Classification: Uncertain significance. Last evaluated: 2016-09-08. Review status: criteria provided, single submitter. Criteria: EGL Classification Definitions 2015. Collection method: clinical testing. Allele origin: germline. Observed: 1 variant allele, 1 heterozygote.

Clinical Genetics DNA and cytogenetics Diagnostics Lab, Erasmus MC, Erasmus Medical Center
Classification: Likely benign for Microcephaly, seizures, and developmental delay. Last evaluated: 2016-05-24. Review status: criteria provided, single submitter. Criteria: ACGS Guidelines, 2013. Collection method: clinical testing. Allele origin: germline. Affected: yes. Study: VKGL Data-share Consensus.

Genome Diagnostics Laboratory, University Medical Center Utrecht
Classification: Likely benign for Microcephaly, seizures, and developmental delay. Last evaluated: 2016-03-30. Review status: criteria provided, single submitter. Criteria: ACGS Guidelines, 2013. Collection method: clinical testing. Allele origin: germline. Affected: yes. Study: VKGL Data-share Consensus.

Genetic Services Laboratory, University of Chicago
Classification: Uncertain significance for Epileptic encephalopathy, early infantile, 10. Last evaluated: 2013-11-21. Review status: criteria provided, single submitter. Criteria: ACMG Guidelines, 2007. Collection method: clinical testing. Allele origin: germline. Inheritance: Autosomal recessive inheritance.

PreventionGenetics, part of Exact Sciences
Classification: Likely benign for PNKP-related condition. Last evaluated: 2024-07-11. Review status: no assertion criteria provided. Collection method: clinical testing. Allele origin: germline. Not counted in ClinVar's aggregate classification.
Comment: This variant is classified as likely benign based on ACMG/AMP sequence variant interpretation guidelines (Richards et al. 2015 PMID: 25741868, with internal and published modifications).

Diagnostic Laboratory, Department of Genetics, University Medical Center Groningen
Classification: Likely benign for Microcephaly, seizures, and developmental delay. Review status: no assertion criteria provided. Collection method: clinical testing. Allele origin: germline. Affected: yes. Study: VKGL Data-share Consensus. Not counted in ClinVar's aggregate classification.

NM_007254.4(PNKP):c.188C>T (p.Ala63Val)

Gene: PNKP (polynucleotide kinase 3'-phosphatase; minus strand). Cytogenetic location: 19q13.33.
Variant type: single nucleotide variant.
Coding change: c.188C>T on transcript NM_007254.4 (MANE Select); coding-DNA position 188, C replaced by T.
Protein change: p.Ala63Val; replaces alanine 63 with valine.
Molecular consequence: missense variant.
Genome position (GRCh38, 1-based): chr19:49,866,409, G>A on the plus strand (C>T on the coding strand, the complement: PNKP is on the minus strand). VCF-style: chr19-49866409-G-A. GRCh37 (hg19) VCF-style: chr19-50369666-G-A.
Other names: p.A63V:GCA>GTA; short protein forms A63V.
Identifiers: ClinVar variation 159792 (VCV000159792.65), dbSNP rs3739173, ClinGen allele CA251153.
Genomic context (GRCh38, chr19:49,866,409, plus strand): 5'-CCCCAAATCCCATCCCCAGGCCTTGCTGGCCCTTGCAGAGGCACTGATACCTGTTTCACT[G>A]CCACTGTCCGGGTCTCAGGATCTGCGACCAGCTCCACTGAGGATTGGAGGGGTGGAGTCA-3'
Protein context (NP_009185.2, residues 53-73): LVADPETRTV[Ala63Val]VKQLGVNPST